The following is an entry in ClinVar:

NC_000009.11:g.(?_130578196)_(130582336_?)del

Gene: ENG (endoglin; minus strand). Cytogenetic location: 9q34.11.
Variant type: Deletion.
Identifiers: ClinVar variation 2422378 (VCV002422378.5).

ClinVar aggregate classification (germline): Pathogenic (1 of 4 stars; one submission).

Conditions:
Hereditary hemorrhagic telangiectasia (HHT). Also called: ORW DISEASE; Osler Weber Rendu syndrome; OSLER-RENDU-WEBER DISEASE; Osler hemorrhagic telangiectasia syndrome. Identifiers: Orphanet 774, MedGen C0039445, MONDO:0019180. Disease mechanism: loss of function.

Submission:

Labcorp Genetics (formerly Invitae), Labcorp
Classification: Pathogenic for Hereditary hemorrhagic telangiectasia. Last evaluated: 2022-10-09. Review status: criteria provided, single submitter. Criteria: Invitae Variant Classification Sherloc (09022015). Collection method: clinical testing. Allele origin: germline.
Comment: This variant is a gross deletion of the genomic region encompassing exon(s) 9-14 of the ENG gene, which includes the termination codon. This deletion extends beyond the assayed region for this gene and therefore may encompass additional genes. While this deletion is not anticipated to lead to nonsense mediated decay, it is expected to alter mRNA translation or result in a truncated protein product. A similar copy number variant has been observed in individuals with ENG-related disease (PMID: 12673790, 16705692, 20414677). It has also been observed to segregate with disease in related individuals. For these reasons, this variant has been classified as Pathogenic.

Literature cited by the submitters: PubMed 12673790; PubMed 16705692; PubMed 20414677.